The following is an entry in ClinVar:

NM_001005242.3(PKP2):c.1586G>A (p.Arg529Lys)

Gene: PKP2 (plakophilin 2; minus strand). Cytogenetic location: 12p11.21.
Variant type: single nucleotide variant.
Coding change: c.1586G>A on transcript NM_001005242.3 (MANE Select); coding-DNA position 1586, G replaced by A.
Protein change: p.Arg529Lys; replaces arginine 529 with lysine.
Molecular consequence: missense variant.
Genome position (GRCh38, 1-based): chr12:32,824,133, C>T on the plus strand (G>A on the coding strand, the complement: PKP2 is on the minus strand). VCF-style: chr12-32824133-C-T. GRCh37 (hg19) VCF-style: chr12-32977067-C-T.
Other names: c.1718G>A, p.Arg573Lys (NM_004572.4); short protein forms R573K, R529K.
Identifiers: ClinVar variation 533030 (VCV000533030.8), dbSNP rs1555143136, ClinGen allele CA384365014.

ClinVar aggregate classification (germline): Uncertain significance (1 of 4 stars; one submission).

Conditions:
Arrhythmogenic right ventricular dysplasia 9 (ARVD9). Also called: Arrhythmogenic Right Ventricular Dysplasia/Cardiomyopathy 9; ARRHYTHMOGENIC RIGHT VENTRICULAR DYSPLASIA, FAMILIAL, 9. Identifiers: MedGen C1836906, MONDO:0012180, OMIM 609040.

Submission:

Labcorp Genetics (formerly Invitae), Labcorp
Classification: Uncertain significance for Arrhythmogenic right ventricular dysplasia 9. Last evaluated: 2017-08-17. Review status: criteria provided, single submitter. Criteria: Invitae Variant Classification Sherloc (09022015). Collection method: clinical testing. Allele origin: germline.
Comment: This sequence change replaces arginine with lysine at codon 573 of the PKP2 protein (p.Arg573Lys). The arginine residue is highly conserved and there is a small physicochemical difference between arginine and lysine. This variant is not present in population databases (ExAC no frequency). In summary, the available evidence is currently insufficient to determine the role of this variant in disease. Therefore, it has been classified as a Variant of Uncertain Significance. Algorithms developed to predict the effect of missense changes on protein structure and function (SIFT, PolyPhen-2, Align-GVGD) all suggest that this variant is likely to be disruptive, but these predictions have not been confirmed by published functional studies and their clinical significance is uncertain. This variant has not been reported in the literature in individuals with PKP2-related disease.